The following is an entry in ClinVar:

NM_001025231.3(KPRP):c.825T>A (p.Phe275Leu)

Gene: KPRP (keratinocyte proline rich protein; plus strand). Cytogenetic location: 1q21.3.
Variant type: single nucleotide variant.
Coding change: c.825T>A on transcript NM_001025231.3 (MANE Select); coding-DNA position 825, T replaced by A.
Protein change: p.Phe275Leu; replaces phenylalanine 275 with leucine.
Molecular consequence: missense variant.
Genome position (GRCh38, 1-based): chr1:152,760,413, T>A. VCF-style: chr1-152760413-T-A. GRCh37 (hg19) VCF-style: chr1-152732889-T-A.
Other names: short protein forms F275L.
Identifiers: ClinVar variation 161498 (VCV000161498.3), dbSNP rs193920890, ClinGen allele CA174145.

ClinVar aggregate classification (germline): Uncertain significance (0 of 4 stars; one submission).

Conditions:
Prostate cancer. Also called: Malignant tumor of prostate. Identifiers: Orphanet 1331, MedGen C0376358, MONDO:0008315, HP:0012125.

Submission:

Science for Life laboratory,  Karolinska Institutet
Classification: Uncertain significance for Malignant tumor of prostate. Review status: no assertion criteria provided. Collection method: not provided. Allele origin: somatic.
Comment: TumorID:SWE-17
ClinVar note: Converted during submission from Unknown to Uncertain significance.